The following is an entry in ClinVar:

NM_207346.3(TSEN54):c.670A>T (p.Lys224Ter)

Gene: TSEN54 (tRNA splicing endonuclease subunit 54; plus strand). Cytogenetic location: 17q25.1.
Variant type: single nucleotide variant.
Coding change: c.670A>T on transcript NM_207346.3 (MANE Select); coding-DNA position 670, A replaced by T.
Protein change: p.Lys224Ter; replaces lysine 224 with a stop codon.
Molecular consequence: nonsense.
Genome position (GRCh38, 1-based): chr17:75,521,751, A>T. VCF-style: chr17-75521751-A-T. GRCh37 (hg19) VCF-style: chr17-73517832-A-T.
Other names: short protein forms K224*.
Identifiers: ClinVar variation 2837939 (VCV002837939.3), dbSNP rs752726764, ClinGen allele CA401028590.
Genomic context (GRCh38, chr17:75,521,751, plus strand): 5'-CCCACGTCCCTCAGGTCCATTAATAAGAAGGCCAAGGCCCTGGACAACTCCCTGCAACCC[A>T]AGAGTCTGGCAGCCTCCAGCCCACCTCCCTGCAGCCAGCCCAGCCAATGCCCAGAGGAGA-3'

ClinVar aggregate classification (germline): Pathogenic (1 of 4 stars; one submission).

Submission:

Labcorp Genetics (formerly Invitae), Labcorp
Classification: Pathogenic. Last evaluated: 2023-06-28. Review status: criteria provided, single submitter. Criteria: Invitae Variant Classification Sherloc (09022015). Collection method: clinical testing. Allele origin: germline.
Comment: For these reasons, this variant has been classified as Pathogenic. This variant has not been reported in the literature in individuals affected with TSEN54-related conditions. This variant is not present in population databases (gnomAD no frequency). This sequence change creates a premature translational stop signal (p.Lys224*) in the TSEN54 gene. It is expected to result in an absent or disrupted protein product. Loss-of-function variants in TSEN54 are known to be pathogenic (PMID: 18711368, 20952379).

Literature cited by the submitters: PubMed 18711368; PubMed 20952379.